The following is an entry in ClinVar:

NM_001128840.3(CACNA1D):c.6292G>A (p.Glu2098Lys)

Gene: CACNA1D (calcium voltage-gated channel subunit alpha1 D; plus strand). Cytogenetic location: 3p21.1.
Variant type: single nucleotide variant.
Coding change: c.6292G>A on transcript NM_001128840.3 (MANE Select); coding-DNA position 6292, G replaced by A.
Protein change: p.Glu2098Lys; replaces glutamic acid 2098 with lysine.
Molecular consequence: missense variant.
Genome position (GRCh38, 1-based): chr3:53,811,212, G>A. VCF-style: chr3-53811212-G-A. GRCh37 (hg19) VCF-style: chr3-53845239-G-A.
Other names: c.6352G>A, p.Glu2118Lys (NM_000720.4); c.6220G>A, p.Glu2074Lys (NM_001128839.3); short protein forms E2098K, E2074K, E2118K.
Identifiers: ClinVar variation 2999577 (VCV002999577.3), dbSNP rs201630968, ClinGen allele CA74870125.

ClinVar aggregate classification (germline): Uncertain significance (1 of 4 stars; one submission).

Allele frequency attached by ClinVar (database versions not stated): gnomAD exomes below 0.00001.
gnomAD v4.1: 2 of 1,613,810 alleles (0.00012%); highest among the groups gnomAD compares: Non-Finnish European, 0.00017%; no homozygotes.

Submission:

Labcorp Genetics (formerly Invitae), Labcorp
Classification: Uncertain significance. Last evaluated: 2024-07-02. Review status: criteria provided, single submitter. Criteria: Invitae Variant Classification Sherloc (09022015). Collection method: clinical testing. Allele origin: germline.
Comment: This sequence change replaces glutamic acid, which is acidic and polar, with lysine, which is basic and polar, at codon 2118 of the CACNA1D protein (p.Glu2118Lys). This variant is not present in population databases (gnomAD no frequency). This variant has not been reported in the literature in individuals affected with CACNA1D-related conditions. An algorithm developed to predict the effect of missense changes on protein structure and function (PolyPhen-2) suggests that this variant is likely to be disruptive. In summary, the available evidence is currently insufficient to determine the role of this variant in disease. Therefore, it has been classified as a Variant of Uncertain Significance.